The following is an entry in ClinVar:

NM_014845.6(FIG4):c.57G>A (p.Glu19=)

Gene: FIG4 (FIG4 phosphoinositide 5-phosphatase; plus strand). Cytogenetic location: 6q21.
Variant type: single nucleotide variant.
Coding change: c.57G>A on transcript NM_014845.6 (MANE Select); coding-DNA position 57, G replaced by A.
Protein change: p.Glu19=; no amino-acid change (glutamic acid 19 retained).
Molecular consequence: synonymous variant.
Genome position (GRCh38, 1-based): chr6:109,691,492, G>A. VCF-style: chr6-109691492-G-A. GRCh37 (hg19) VCF-style: chr6-110012695-G-A.
Identifiers: ClinVar variation 1307003 (VCV001307003.2), dbSNP rs2128375315, ClinGen allele CA451753727.

ClinVar aggregate classification (germline): Uncertain significance (1 of 4 stars; one submission).

Submission:

GeneDx
Classification: Uncertain significance. Last evaluated: 2019-07-18. Review status: criteria provided, single submitter. Criteria: GeneDx Variant Classification Process June 2021. Collection method: clinical testing. Allele origin: germline. Affected: yes.
Comment: Not observed in large population cohorts (Lek et al., 2016); In silico analysis, which includes splice predictors and evolutionary conservation, supports that this variant does not alter protein structure/function; Has not been previously published as pathogenic or benign to our knowledge